The following is an entry in ClinVar:

ClinVar aggregate classification (germline): Pathogenic (1 of 4 stars; one submission).

Submission:

Labcorp Genetics (formerly Invitae), Labcorp
Classification: Pathogenic. Last evaluated: 2023-06-22. Review status: criteria provided, single submitter. Criteria: Invitae Variant Classification Sherloc (09022015). Collection method: clinical testing. Allele origin: germline.
Comment: This sequence change creates a premature translational stop signal (p.Trp235*) in the XPA gene. While this is not anticipated to result in nonsense mediated decay, it is expected to disrupt the last 39 amino acid(s) of the XPA protein. This variant is not present in population databases (gnomAD no frequency). This premature translational stop signal has been observed in individual(s) with xeroderma pigmentosum (PMID: 29178624). This variant disrupts a region of the XPA protein in which other variant(s) (p.Arg258Tyrfs*5) have been determined to be pathogenic (PMID: 31478152). This suggests that this is a clinically significant region of the protein, and that variants that disrupt it are likely to be disease-causing. For these reasons, this variant has been classified as Pathogenic.

Literature cited by the submitters: PubMed 29178624; PubMed 31478152.

NM_000380.4(XPA):c.704G>A (p.Trp235Ter)

Gene: XPA (XPA, DNA damage recognition and repair factor; minus strand). Cytogenetic location: 9q22.33.
Variant type: single nucleotide variant.
Coding change: c.704G>A on transcript NM_000380.4 (MANE Select); coding-DNA position 704, G replaced by A.
Protein change: p.Trp235Ter; replaces tryptophan 235 with a stop codon.
Molecular consequence: nonsense. On other transcripts: non-coding transcript variant (5).
Genome position (GRCh38, 1-based): chr9:97,675,557, C>T on the plus strand (G>A on the coding strand, the complement: XPA is on the minus strand). VCF-style: chr9-97675557-C-T. GRCh37 (hg19) VCF-style: chr9-100437839-C-T.
Other names: c.578G>A, p.Trp193Ter (NM_001354975.2); short protein forms W193*, W235*.
Identifiers: ClinVar variation 2915444 (VCV002915444.3), dbSNP rs2490185067, ClinGen allele CA374185507.